The following is an entry in ClinVar:

ClinVar aggregate classification (germline): Likely pathogenic (1 of 4 stars; one submission).

gnomAD v4.1: 1 of 1,614,038 alleles (0.000062%); highest among the groups gnomAD compares: Non-Finnish European, 0.000085%; no homozygotes.

Submission:

Dasa
Classification: Likely pathogenic. Last evaluated: 2025-02-20. Review status: criteria provided, single submitter. Criteria: DASA Assertion Criteria. Collection method: clinical testing. Allele origin: germline.
Comment: NM_004984.4(KIF5A):c.331C>T (p.Arg111*) is a nonsense variant in KIF5A predicted to introduce a premature termination codon and is predicted to result in an absent or altered protein product. Loss of function is an established disease mechanism for KIF5A-associated disorders. Also, this variant is rare in population databases. Based on the currently available evidence, this variant is classified as likely pathogenic.

NM_004984.4(KIF5A):c.331C>T (p.Arg111Ter)

Gene: KIF5A (kinesin family member 5A; plus strand). Cytogenetic location: 12q13.3.
Variant type: single nucleotide variant.
Coding change: c.331C>T on transcript NM_004984.4 (MANE Select); coding-DNA position 331, C replaced by T.
Protein change: p.Arg111Ter; replaces arginine 111 with a stop codon.
Molecular consequence: nonsense. On other transcripts: intron variant (1).
Genome position (GRCh38, 1-based): chr12:57,564,147, C>T. VCF-style: chr12-57564147-C-T. GRCh37 (hg19) VCF-style: chr12-57957930-C-T.
Other names: c.130-313C>T (NM_001354705.2); short protein forms R111*.
Identifiers: ClinVar variation 4883427 (VCV004883427.2).
Genomic context (GRCh38, chr12:57,564,147, plus strand): 5'-TCAAATACCTTCACTCGCCAGGGAAAGCTGCACGACCCTCAGCTGATGGGAATCATTCCT[C>T]GAATTGCCCGAGACATCTTCAACCACATCTACTCCATGGATGAGAACCTTGAGTTCCACA-3'